The following is an entry in ClinVar:

ClinVar aggregate classification (germline): Uncertain significance (1 of 4 stars; one submission).

Submission:

Labcorp Genetics (formerly Invitae), Labcorp
Classification: Uncertain significance. Last evaluated: 2025-12-10. Review status: criteria provided, single submitter. Criteria: Invitae Variant Classification Sherloc (09022015). Collection method: clinical testing. Allele origin: germline.
Comment: This sequence change replaces asparagine, which is neutral and polar, with isoleucine, which is neutral and non-polar, at codon 1209 of the NLRP1 protein (p.Asn1209Ile). This variant is present in population databases (no rsID available, gnomAD 0.001%). This variant has not been reported in the literature in individuals affected with NLRP1-related conditions. ClinVar contains an entry for this variant (Variation ID: 3716841). An algorithm developed to predict the effect of missense changes on protein structure and function (PolyPhen-2) suggests that this variant is likely to be disruptive. In summary, the available evidence is currently insufficient to determine the role of this variant in disease. Therefore, it has been classified as a Variant of Uncertain Significance.

NM_033004.4(NLRP1):c.3626_3627delinsTT (p.Asn1209Ile)

Gene: NLRP1 (NLR family pyrin domain containing 1; minus strand). Cytogenetic location: 17p13.2.
Variant type: Indel.
Coding change: c.3626_3627delinsTT on transcript NM_033004.4 (MANE Select); coding-DNA positions 3626 to 3627, AC replaced by TT.
Protein change: p.Asn1209Ile; replaces asparagine 1209 with isoleucine.
Molecular consequence: missense variant.
Genome position (GRCh38, 1-based): chr17:5,521,680-5,521,681, GT replaced by AA on the plus strand (AC replaced by TT on the coding strand, the reverse complement: NLRP1 is on the minus strand). VCF-style: chr17-5521680-GT-AA. GRCh37 (hg19) VCF-style: chr17-5425000-GT-AA.
Other names: c.3536_3537delinsTT, p.Asn1179Ile (NM_033007.4, NM_033006.4); c.3626_3627delinsTT, p.Asn1209Ile (NM_014922.5); c.3638_3639delinsTT, p.Asn1213Ile (NM_001033053.3); short protein forms N1213I, N1179I, N1209I.
Identifiers: ClinVar variation 3716841 (VCV003716841.2).